The following is an entry in ClinVar:

ClinVar aggregate classification (germline): Uncertain significance (1 of 4 stars; one submission).

Allele frequency attached by ClinVar (database versions not stated): TOPMed below 0.00001; gnomAD 0.00001.

Submission:

Labcorp Genetics (formerly Invitae), Labcorp
Classification: Uncertain significance. Last evaluated: 2023-02-14. Review status: criteria provided, single submitter. Criteria: Invitae Variant Classification Sherloc (09022015). Collection method: clinical testing. Allele origin: germline.
Comment: This variant is not present in population databases (gnomAD no frequency). This variant has not been reported in the literature in individuals affected with RNASET2-related conditions. Advanced modeling of protein sequence and biophysical properties (such as structural, functional, and spatial information, amino acid conservation, physicochemical variation, residue mobility, and thermodynamic stability) performed at Invitae indicates that this missense variant is not expected to disrupt RNASET2 protein function. In summary, the available evidence is currently insufficient to determine the role of this variant in disease. Therefore, it has been classified as a Variant of Uncertain Significance. This sequence change replaces valine, which is neutral and non-polar, with isoleucine, which is neutral and non-polar, at codon 175 of the RNASET2 protein (p.Val175Ile).

NM_003730.6(RNASET2):c.523G>A (p.Val175Ile)

Gene: RNASET2 (ribonuclease T2; minus strand). Cytogenetic location: 6q27.
Variant type: single nucleotide variant.
Coding change: c.523G>A on transcript NM_003730.6 (MANE Select); coding-DNA position 523, G replaced by A.
Protein change: p.Val175Ile; replaces valine 175 with isoleucine.
Molecular consequence: missense variant.
Genome position (GRCh38, 1-based): chr6:166,931,088, C>T on the plus strand (G>A on the coding strand, the complement: RNASET2 is on the minus strand). VCF-style: chr6-166931088-C-T. GRCh37 (hg19) VCF-style: chr6-167344576-C-T.
Other names: short protein forms V175I.
Identifiers: ClinVar variation 2119877 (VCV002119877.4), dbSNP rs1315470043, ClinGen allele CA366409425.